The following is an entry in ClinVar:

ClinVar aggregate classification (germline): Conflicting classifications of pathogenicity. Review status: criteria provided, conflicting classifications (1 of 4 stars). 3 submissions from 3 submitters: Pathogenic (1); Likely pathogenic (1); Uncertain significance (1). Last evaluated 2025-09-10.

Conditions:
Maple syrup urine disease type 1B (MSUD1B). Also called: MSUD type IB; MSUD type 3 (formerly); MSUD due to deficiency of e1-beta subunit of branched-chain alpha-keto acid dehydrogenase complex. Identifiers: MedGen C2930990, MONDO:0023692, OMIM 620698.
Maple syrup urine disease (MSUD). Identifiers: Orphanet 511, MedGen C0024776, MeSH D008375, MONDO:0009563. Disease mechanism: loss of function.

Submissions (3):

Genomic Medicine Center of Excellence, King Faisal Specialist Hospital and Research Centre
Classification: Likely pathogenic for Maple syrup urine disease type 1B. Last evaluated: 2025-09-10. Review status: criteria provided, single submitter. Criteria: ACMG Guidelines, 2015. Collection method: clinical testing. Allele origin: germline.

Labcorp Genetics (formerly Invitae), Labcorp
Classification: Pathogenic for Maple syrup urine disease. Last evaluated: 2023-12-02. Review status: criteria provided, single submitter. Criteria: Invitae Variant Classification Sherloc (09022015). Collection method: clinical testing. Allele origin: germline.
Comment: This sequence change replaces threonine, which is neutral and polar, with proline, which is neutral and non-polar, at codon 273 of the BCKDHB protein (p.Thr273Pro). This variant is not present in population databases (gnomAD no frequency). This missense change has been observed in individuals with maple syrup urine disease (PMID: 28417071). ClinVar contains an entry for this variant (Variation ID: 96610). Advanced modeling of protein sequence and biophysical properties (such as structural, functional, and spatial information, amino acid conservation, physicochemical variation, residue mobility, and thermodynamic stability) performed at Invitae indicates that this missense variant is expected to disrupt BCKDHB protein function with a positive predictive value of 80%. This variant disrupts the p.Thr273 amino acid residue in BCKDHB. Other variant(s) that disrupt this residue have been determined to be pathogenic (PMID: 30228974). This suggests that this residue is clinically significant, and that variants that disrupt this residue are likely to be disease-causing. For these reasons, this variant has been classified as Pathogenic.

Eurofins Ntd Llc (ga)
Classification: Uncertain significance. Last evaluated: 2013-09-03. Review status: criteria provided, single submitter. Criteria: EGL Classification Definitions 2015. Collection method: clinical testing. Allele origin: germline. Observed: 1 variant allele, 1 homozygote.

Literature cited by the submitters: PubMed 28417071 (cited by Labcorp Genetics (formerly Invitae), Labcorp); PubMed 30228974 (cited by Labcorp Genetics (formerly Invitae), Labcorp).

NM_183050.4(BCKDHB):c.817A>C (p.Thr273Pro)

Gene: BCKDHB (branched chain keto acid dehydrogenase E1 subunit beta; plus strand). Cytogenetic location: 6q14.1.
Variant type: single nucleotide variant.
Coding change: c.817A>C on transcript NM_183050.4 (MANE Select); coding-DNA position 817, A replaced by C.
Protein change: p.Thr273Pro; replaces threonine 273 with proline.
Molecular consequence: missense variant. On other transcripts: non-coding transcript variant (1).
Genome position (GRCh38, 1-based): chr6:80,201,008, A>C. VCF-style: chr6-80201008-A-C. GRCh37 (hg19) VCF-style: chr6-80910725-A-C.
Other names: c.817A>C, p.Thr273Pro (NM_000056.5); c.607A>C, p.Thr203Pro (NM_001318975.1); short protein forms T273P, T203P.
Identifiers: ClinVar variation 96610 (VCV000096610.9), dbSNP rs398124595, ClinGen allele CA224344.